The following is an entry in ClinVar:

NM_001754.5(RUNX1):c.509-8C>G

Genes: RUNX1 (RUNX family transcription factor 1; minus strand), RUNX1-AS1 (RUNX1 antisense RNA 1; plus strand). Cytogenetic location: 21q22.12.
Variant type: single nucleotide variant.
Coding change: c.509-8C>G on transcript NM_001754.5 (MANE Select); 8 bases into the intron before coding-DNA position 509, C replaced by G.
Molecular consequence: intron variant.
Genome position (GRCh38, 1-based): chr21:34,859,586, G>C on the plus strand (C>G on the coding strand, the complement: RUNX1 is on the minus strand). VCF-style: chr21-34859586-G-C. GRCh37 (hg19) VCF-style: chr21-36231883-G-C.
Other names: c.428-8C>G (NM_001001890.3, NM_001122607.2).
Identifiers: ClinVar variation 763009 (VCV000763009.13), dbSNP rs1601470889, ClinGen allele CA915952642.

ClinVar aggregate classification (germline): Likely benign. Review status: reviewed by expert panel (3 of 4 stars). 3 submissions from 3 submitters: Likely benign (1). 2 of the submissions do not count toward it. Last evaluated 2024-06-24.

Conditions:
Hereditary thrombocytopenia and hematologic cancer predisposition syndrome. Identifiers: Orphanet 71290, MedGen CN281654, MONDO:0011071.
RUNX1-related disorder. Also called: RUNX1-related condition.
Hereditary thrombocytopenia and hematological cancer predisposition syndrome associated with RUNX1. Also called: RUNX1 Familial Platelet Disorder with Associated Myeloid Malignancies; Familial Platelet Disorder with Propensity to Acute Myelogenous Leukemia; Familial thrombocytopenia with propensity to acute myelogenous leukemia; PLATELET DISORDER, ASPIRIN-LIKE. Identifiers: Orphanet 71290, MedGen C1832388, MeSH C563324, MONDO:0100083, OMIM 601399.

Submissions (3):

ClinGen Myeloid Malignancy Variant Curation Expert Panel
Classification: Likely benign for Hereditary thrombocytopenia and hematologic cancer predisposition syndrome. Last evaluated: 2024-06-24. Review status: reviewed by expert panel. Criteria: ClinGen MyeloMalig ACMG Specifications v2. Collection method: curation. Allele origin: germline. Inheritance: Autosomal dominant inheritance.
Comment: This intronic variant has a SpliceAI score ≤ 0.20 (0.00) (BP4). Evolutionary conservation prediction algorithms predict the site as not being conserved (PhyloP score 0.88 < 2.0) (BP7). Variant is not present in population databases (gnomAD v2.1 or v3.1.2) (PM2_supporting). In summary, this variant meets criteria to be classified as likely benign. ACMG/AMP criteria applied, as specified by the Myeloid Malignancy Variant Curation Expert Panel for RUNX1: BP4, BP7, PM2_supporting.

PreventionGenetics, part of Exact Sciences
Classification: Likely benign for RUNX1-related condition. Last evaluated: 2025-11-18. Review status: criteria provided, single submitter. Criteria: ACMG Guidelines, 2015. Collection method: clinical testing. Allele origin: germline. Not counted in ClinVar's aggregate classification.
Comment: This variant is classified as likely benign based on ACMG/AMP sequence variant interpretation guidelines (Richards et al. 2015 PMID: 25741868, with internal and published modifications).

Labcorp Genetics (formerly Invitae), Labcorp
Classification: Likely benign for Hereditary thrombocytopenia and hematological cancer predisposition syndrome associated with RUNX1. Last evaluated: 2025-01-23. Review status: criteria provided, single submitter. Criteria: Invitae Variant Classification Sherloc (09022015). Collection method: clinical testing. Allele origin: germline. Not counted in ClinVar's aggregate classification.